The following is an entry in ClinVar:

NM_006364.4(SEC23A):c.674C>T (p.Pro225Leu)

Gene: SEC23A (SEC23 homolog A, COPII component; minus strand). Cytogenetic location: 14q21.1.
Variant type: single nucleotide variant.
Coding change: c.674C>T on transcript NM_006364.4 (MANE Select); coding-DNA position 674, C replaced by T.
Protein change: p.Pro225Leu; replaces proline 225 with leucine.
Molecular consequence: missense variant.
Genome position (GRCh38, 1-based): chr14:39,086,938, G>A on the plus strand (C>T on the coding strand, the complement: SEC23A is on the minus strand). VCF-style: chr14-39086938-G-A. GRCh37 (hg19) VCF-style: chr14-39556142-G-A.
Other names: short protein forms P225L.
Identifiers: ClinVar variation 3008466 (VCV003008466.3), dbSNP rs1178442784, ClinGen allele CA389536330.

ClinVar aggregate classification (germline): Uncertain significance (1 of 4 stars; one submission).

Conditions:
Craniolenticulosutural dysplasia (CLSD). Also called: BOYADJIEV-JABS SYNDROME. Identifiers: Orphanet 50814, MedGen C1843042, MONDO:0011911, OMIM 607812.

Allele frequency attached by ClinVar (database versions not stated): gnomAD exomes below 0.00001.
gnomAD v4.1: 1 of 1,582,622 alleles (0.000063%); highest among the groups gnomAD compares: Admixed American, 0.0017%; no homozygotes.

Submission:

Labcorp Genetics (formerly Invitae), Labcorp
Classification: Uncertain significance for Craniolenticulosutural dysplasia. Last evaluated: 2024-06-03. Review status: criteria provided, single submitter. Criteria: Invitae Variant Classification Sherloc (09022015). Collection method: clinical testing. Allele origin: germline.
Comment: This sequence change replaces proline, which is neutral and non-polar, with leucine, which is neutral and non-polar, at codon 225 of the SEC23A protein (p.Pro225Leu). This variant is present in population databases (no rsID available, gnomAD 0.003%). This variant has not been reported in the literature in individuals affected with SEC23A-related conditions. Advanced modeling of protein sequence and biophysical properties (such as structural, functional, and spatial information, amino acid conservation, physicochemical variation, residue mobility, and thermodynamic stability) performed at Invitae indicates that this missense variant is not expected to disrupt SEC23A protein function with a negative predictive value of 80%. In summary, the available evidence is currently insufficient to determine the role of this variant in disease. Therefore, it has been classified as a Variant of Uncertain Significance.